The following is an entry in ClinVar:

ClinVar aggregate classification (germline): Likely benign. Review status: criteria provided, multiple submitters, no conflicts (2 of 4 stars). 9 submissions from 9 submitters: Likely benign (8). 1 of the submissions does not count toward it. Last evaluated 2026-01-26.

Conditions:
Cardiomyopathy (CMYO). Also called: Cardiomyopathies. Identifiers: Orphanet 167848, MedGen C0878544, MONDO:0004994, HP:0001638. Inheritance: Various modes of inheritance.
MYL3-related disorder. Also called: MYL3-related condition.
Hypertrophic cardiomyopathy. Also called: HYPERTROPHIC MYOCARDIOPATHY. Identifiers: Orphanet 217569, MedGen C0007194, MeSH D002312, MONDO:0005045, HP:0001639.
Cardiovascular phenotype. Identifiers: MedGen CN230736.

Allele frequency attached by ClinVar (database versions not stated): TOPMed 0.00007; ESP Exome Variant Server 0.00008.

Submissions (9):

Labcorp Genetics (formerly Invitae), Labcorp
Classification: Likely benign for Hypertrophic cardiomyopathy. Last evaluated: 2026-01-26. Review status: criteria provided, single submitter. Criteria: Invitae Variant Classification Sherloc (09022015). Collection method: clinical testing. Allele origin: germline.

Molecular Diagnostic Laboratory for Inherited Cardiovascular Disease, Montreal Heart Institute
Classification: Likely benign. Last evaluated: 2025-04-09. Review status: criteria provided, single submitter. Criteria: ACMG Guidelines, 2015. Collection method: clinical testing. Allele origin: germline. Affected: no.
Comment: BP6;BP7

All of Us Research Program, National Institutes of Health
Classification: Likely benign for Hypertrophic cardiomyopathy. Last evaluated: 2023-12-18. Review status: criteria provided, single submitter. Criteria: ACMG Guidelines, 2015. Collection method: clinical testing. Allele origin: germline. Inheritance: Autosomal dominant inheritance. Observed: 11 variant alleles, 11 heterozygotes.
Comment: This study involves interpretation of variants in research participants for the purpose of population health screening. Participant phenotype was not available at the time of variant classification. Additional details can be found in publication PMID: 35346344, PMCID: PMC8962531

Blueprint Genetics
Classification: Likely benign. Last evaluated: 2023-11-02. Review status: criteria provided, single submitter. Criteria: ACMG Guidelines, 2015. Collection method: clinical testing. Allele origin: germline.

GeneDx
Classification: Likely benign. Last evaluated: 2020-03-27. Review status: criteria provided, single submitter. Criteria: GeneDx Variant Classification Process June 2021. Collection method: clinical testing. Allele origin: germline. Affected: yes.

Color Diagnostics, LLC DBA Color Health
Classification: Likely benign for Cardiomyopathy. Last evaluated: 2019-07-15. Review status: criteria provided, single submitter. Criteria: ACMG Guidelines, 2015. Collection method: clinical testing. Allele origin: germline.

Ambry Genetics
Classification: Likely benign for Cardiovascular phenotype. Last evaluated: 2018-05-31. Review status: criteria provided, single submitter. Criteria: Ambry Variant Classification Scheme 2023. Collection method: clinical testing. Allele origin: germline.

CHEO Genetics Diagnostic Laboratory, Children's Hospital of Eastern Ontario
Classification: Likely benign for Cardiomyopathy. Last evaluated: 2017-05-24. Review status: criteria provided, single submitter. Criteria: ACMG Guidelines, 2015. Collection method: clinical testing. Allele origin: germline. Study: Canadian Open Genetics Repository.

PreventionGenetics, part of Exact Sciences
Classification: Likely benign for MYL3-related condition. Last evaluated: 2020-08-17. Review status: no assertion criteria provided. Collection method: clinical testing. Allele origin: germline. Not counted in ClinVar's aggregate classification.
Comment: This variant is classified as likely benign based on ACMG/AMP sequence variant interpretation guidelines (Richards et al. 2015 PMID: 25741868, with internal and published modifications).

NM_000258.3(MYL3):c.36T>C (p.Asp12=)

Gene: MYL3 (myosin light chain 3; minus strand). Cytogenetic location: 3p21.31.
Variant type: single nucleotide variant.
Coding change: c.36T>C on transcript NM_000258.3 (MANE Select); coding-DNA position 36, T replaced by C.
Protein change: p.Asp12=; no amino-acid change (aspartic acid 12 retained).
Molecular consequence: synonymous variant.
Genome position (GRCh38, 1-based): chr3:46,863,355, A>G on the plus strand (T>C on the coding strand, the complement: MYL3 is on the minus strand). VCF-style: chr3-46863355-A-G. GRCh37 (hg19) VCF-style: chr3-46904845-A-G.
Identifiers: ClinVar variation 378219 (VCV000378219.61), dbSNP rs138567316, ClinGen allele CA043898.